The following is an entry in ClinVar:

NM_000702.4(ATP1A2):c.456C>T (p.Ser152=)

Gene: ATP1A2 (ATPase Na+/K+ transporting subunit alpha 2; plus strand). Cytogenetic location: 1q23.2.
Variant type: single nucleotide variant.
Coding change: c.456C>T on transcript NM_000702.4 (MANE Select); coding-DNA position 456, C replaced by T.
Protein change: p.Ser152=; no amino-acid change (serine 152 retained).
Molecular consequence: synonymous variant.
Genome position (GRCh38, 1-based): chr1:160,124,017, C>T. VCF-style: chr1-160124017-C-T. GRCh37 (hg19) VCF-style: chr1-160093807-C-T.
Identifiers: ClinVar variation 3029764 (VCV003029764.2), dbSNP rs2524856421, ClinGen allele CA421599342.

ClinVar aggregate classification (germline): Likely benign (0 of 4 stars; one submission).

Conditions:
ATP1A2-related disorder. Also called: ATP1A2-related condition; ATP1A2-RELATED DISORDERS.

Allele frequency attached by ClinVar (database versions not stated): gnomAD exomes below 0.00001.
gnomAD v4.1: 1 of 1,614,174 alleles (0.000062%); highest among the groups gnomAD compares: Non-Finnish European, 0.000085%; no homozygotes.

Submission:

PreventionGenetics, part of Exact Sciences
Classification: Likely benign for ATP1A2-related condition. Last evaluated: 2021-12-09. Review status: no assertion criteria provided. Collection method: clinical testing. Allele origin: germline.
Comment: This variant is classified as likely benign based on ACMG/AMP sequence variant interpretation guidelines (Richards et al. 2015 PMID: 25741868, with internal and published modifications).